The following is an entry in ClinVar:

ClinVar aggregate classification (germline): Uncertain significance. Review status: criteria provided, multiple submitters, no conflicts (2 of 4 stars). 2 submissions from 2 submitters: Uncertain significance (2). Last evaluated 2025-09-16.

Conditions:
Long QT syndrome (LQTS). Identifiers: MedGen C0023976, MeSH D008133, MONDO:0002442. Disease mechanism: loss of function. Inheritance: Various modes of inheritance.
Cardiovascular phenotype. Identifiers: MedGen CN230736.

gnomAD v4.1: 9 of 1,613,820 alleles (0.00056%); highest among the groups gnomAD compares: Non-Finnish European, 0.00076%; no homozygotes.

Submissions (2):

Labcorp Genetics (formerly Invitae), Labcorp
Classification: Uncertain significance for Long QT syndrome. Last evaluated: 2025-09-16. Review status: criteria provided, single submitter. Criteria: Invitae Variant Classification Sherloc (09022015). Collection method: clinical testing. Allele origin: germline.
Comment: This sequence change replaces glycine, which is neutral and non-polar, with glutamic acid, which is acidic and polar, at codon 3401 of the AKAP9 protein (p.Gly3401Glu). This variant is present in population databases (no rsID available, gnomAD 0.0009%). This variant has not been reported in the literature in individuals affected with AKAP9-related conditions. ClinVar contains an entry for this variant (Variation ID: 3224996). An algorithm developed to predict the effect of missense changes on protein structure and function (PolyPhen-2) suggests that this variant is likely to be disruptive. In summary, the available evidence is currently insufficient to determine the role of this variant in disease. Therefore, it has been classified as a Variant of Uncertain Significance.

Ambry Genetics
Classification: Uncertain significance for Cardiovascular phenotype. Last evaluated: 2023-12-31. Review status: criteria provided, single submitter. Criteria: Ambry Variant Classification Scheme 2023. Collection method: clinical testing. Allele origin: germline.
Comment: The p.G3401E variant (also known as c.10202G>A), located in coding exon 41 of the AKAP9 gene, results from a G to A substitution at nucleotide position 10202. The glycine at codon 3401 is replaced by glutamic acid, an amino acid with similar properties. This amino acid position is conserved. In addition, this alteration is predicted to be tolerated by in silico analysis. Since supporting evidence is limited at this time, the clinical significance of this alteration remains unclear.

NM_005751.5(AKAP9):c.10202G>A (p.Gly3401Glu)

Gene: AKAP9 (A-kinase anchoring protein 9; plus strand). Cytogenetic location: 7q21.2.
Variant type: single nucleotide variant.
Coding change: c.10202G>A on transcript NM_005751.5 (MANE Select); coding-DNA position 10202, G replaced by A.
Protein change: p.Gly3401Glu; replaces glycine 3401 with glutamic acid.
Molecular consequence: missense variant.
Genome position (GRCh38, 1-based): chr7:92,097,161, G>A. VCF-style: chr7-92097161-G-A. GRCh37 (hg19) VCF-style: chr7-91726475-G-A.
Other names: c.4847G>A, p.Gly1616Glu (NM_001379277.1); c.10178G>A, p.Gly3393Glu (NM_147185.3); short protein forms G1616E, G3393E, G3401E.
Identifiers: ClinVar variation 3224996 (VCV003224996.2), dbSNP rs1374385673, ClinGen allele CA368154250.